The following is an entry in ClinVar:

NM_023036.6(DNAI2):c.1163C>A (p.Ala388Asp)

Gene: DNAI2 (dynein axonemal intermediate chain 2; plus strand). Cytogenetic location: 17q25.1.
Variant type: single nucleotide variant.
Coding change: c.1163C>A on transcript NM_023036.6 (MANE Select); coding-DNA position 1163, C replaced by A.
Protein change: p.Ala388Asp; replaces alanine 388 with aspartic acid.
Molecular consequence: missense variant. On other transcripts: non-coding transcript variant (1).
Genome position (GRCh38, 1-based): chr17:74,305,394, C>A. VCF-style: chr17-74305394-C-A. GRCh37 (hg19) VCF-style: chr17-72301533-C-A.
Other names: c.1163C>A, p.Ala388Asp (NM_001172810.3, NM_001353167.2); short protein forms A388D.
Identifiers: ClinVar variation 2038267 (VCV002038267.1), dbSNP rs773581570, ClinGen allele CA400910335.

ClinVar aggregate classification (germline): Uncertain significance (1 of 4 stars; one submission).

Conditions:
Primary ciliary dyskinesia. Also called: Ciliary dyskinesia. Identifiers: Orphanet 244, MedGen C0008780, MONDO:0016575, HP:0012265.

Allele frequency attached by ClinVar (database versions not stated): TOPMed below 0.00001.

Submission:

Labcorp Genetics (formerly Invitae), Labcorp
Classification: Uncertain significance for Primary ciliary dyskinesia. Last evaluated: 2021-08-24. Review status: criteria provided, single submitter. Criteria: Invitae Variant Classification Sherloc (09022015). Collection method: clinical testing. Allele origin: germline.
Comment: This sequence change replaces alanine with aspartic acid at codon 388 of the DNAI2 protein (p.Ala388Asp). The alanine residue is highly conserved and there is a moderate physicochemical difference between alanine and aspartic acid. This variant is not present in population databases (ExAC no frequency). This variant has not been reported in the literature in individuals affected with DNAI2-related conditions. Algorithms developed to predict the effect of missense changes on protein structure and function are either unavailable or do not agree on the potential impact of this missense change (SIFT: "Deleterious"; PolyPhen-2: "Possibly Damaging"; Align-GVGD: "Class C0"). In summary, the available evidence is currently insufficient to determine the role of this variant in disease. Therefore, it has been classified as a Variant of Uncertain Significance.